The following is an entry in ClinVar:

ClinVar aggregate classification (germline): Uncertain significance (1 of 4 stars; one submission).

Submission:

Labcorp Genetics (formerly Invitae), Labcorp
Classification: Uncertain significance. Last evaluated: 2023-07-14. Review status: criteria provided, single submitter. Criteria: Invitae Variant Classification Sherloc (09022015). Collection method: clinical testing. Allele origin: unknown.
Comment: This variant has not been reported in the literature in individuals affected with HOXB13-related conditions. This variant results in a copy number gain of the genomic region encompassing exon(s) 1 of the HOXB13 gene. This region includes the initiator codon of the gene. This copy number gain extends beyond the assayed region for this gene and therefore may encompass additional genes. As the precise location of this event is unknown, it may be in tandem or it may be located elsewhere in the genome. In summary, the available evidence is currently insufficient to determine the role of this variant in disease. Therefore, it has been classified as a Variant of Uncertain Significance.

NC_000017.10:g.(?_46805345)_(46805955_?)dup

Gene: HOXB13 (homeobox B13; minus strand). Cytogenetic location: 17q21.32.
Variant type: Duplication.
Identifiers: ClinVar variation 3243177 (VCV003243177.1).